The following is an entry in ClinVar:

ClinVar aggregate classification (germline): Uncertain significance. Review status: criteria provided, multiple submitters, no conflicts (2 of 4 stars). 2 submissions from 2 submitters: Uncertain significance (2). Last evaluated 2025-10-01.

Conditions:
Cardiovascular phenotype. Identifiers: MedGen CN230736.
Brugada syndrome 8 (BRGDA8). Identifiers: Orphanet 130, MedGen C2751083, MONDO:0013148, OMIM 613123.

Allele frequency attached by ClinVar (database versions not stated): gnomAD exomes 0.00001.
gnomAD v4.1: 2 of 1,364,322 alleles (0.00015%); highest among the groups gnomAD compares: South Asian, 0.0018%; no homozygotes.

Submissions (2):

Labcorp Genetics (formerly Invitae), Labcorp
Classification: Uncertain significance for Brugada syndrome 8. Last evaluated: 2025-10-01. Review status: criteria provided, single submitter. Criteria: Invitae Variant Classification Sherloc (09022015). Collection method: clinical testing. Allele origin: germline.
Comment: This sequence change replaces arginine, which is basic and polar, with tryptophan, which is neutral and slightly polar, at codon 129 of the HCN4 protein (p.Arg129Trp). This variant is not present in population databases (gnomAD no frequency). This variant has not been reported in the literature in individuals affected with HCN4-related conditions. ClinVar contains an entry for this variant (Variation ID: 2179649). Invitae Evidence Modeling of protein sequence and biophysical properties (such as structural, functional, and spatial information, amino acid conservation, physicochemical variation, residue mobility, and thermodynamic stability) has been performed for this missense variant. However, the output from this modeling did not meet the statistical confidence thresholds required to predict the impact of this variant on HCN4 protein function. In summary, the available evidence is currently insufficient to determine the role of this variant in disease. Therefore, it has been classified as a Variant of Uncertain Significance.

Ambry Genetics
Classification: Uncertain significance for Cardiovascular phenotype. Last evaluated: 2025-08-07. Review status: criteria provided, single submitter. Criteria: Ambry Variant Classification Scheme 2023. Collection method: clinical testing. Allele origin: germline.

NM_005477.3(HCN4):c.385C>T (p.Arg129Trp)

Gene: HCN4 (hyperpolarization activated cyclic nucleotide gated potassium channel 4; minus strand). Cytogenetic location: 15q24.1.
Variant type: single nucleotide variant.
Coding change: c.385C>T on transcript NM_005477.3 (MANE Select); coding-DNA position 385, C replaced by T.
Protein change: p.Arg129Trp; replaces arginine 129 with tryptophan.
Molecular consequence: missense variant.
Genome position (GRCh38, 1-based): chr15:73,367,886, G>A on the plus strand (C>T on the coding strand, the complement: HCN4 is on the minus strand). VCF-style: chr15-73367886-G-A. GRCh37 (hg19) VCF-style: chr15-73660227-G-A.
Other names: c.385C>T (NM_005477.2); short protein forms R129W.
Identifiers: ClinVar variation 2179649 (VCV002179649.6), dbSNP rs2549080424, ClinGen allele CA393098188.